The following is an entry in ClinVar:

ClinVar aggregate classification (germline): Uncertain significance (1 of 4 stars; one submission).

Conditions:
Inborn genetic diseases. Identifiers: MedGen C0950123, MeSH D030342.

Submission:

Ambry Genetics
Classification: Uncertain significance for Inborn genetic diseases. Last evaluated: 2026-08-22. Review status: criteria provided, single submitter. Criteria: Ambry Variant Classification Scheme 2023. Collection method: clinical testing. Allele origin: germline.
Comment: The p.S801A variant (also known as c.2401T>G), located in coding exon 14 of the FANCM gene, results from a T to G substitution at nucleotide position 2401. The serine at codon 801 is replaced by alanine, an amino acid with similar properties. This amino acid position is conserved. In addition, this alteration is predicted to be tolerated by in silico analysis. Based on the available evidence, the clinical significance of this variant remains unclear.

NM_020937.4(FANCM):c.2401T>G (p.Ser801Ala)

Gene: FANCM (FA complementation group M; plus strand). Cytogenetic location: 14q21.2.
Variant type: single nucleotide variant.
Coding change: c.2401T>G on transcript NM_020937.4 (MANE Select); coding-DNA position 2401, T replaced by G.
Protein change: p.Ser801Ala; replaces serine 801 with alanine.
Molecular consequence: missense variant.
Genome position (GRCh38, 1-based): chr14:45,175,155, T>G. VCF-style: chr14-45175155-T-G. GRCh37 (hg19) VCF-style: chr14-45644358-T-G.
Other names: c.2323T>G, p.Ser775Ala (NM_001308133.2); short protein forms S775A, S801A.
Identifiers: ClinVar variation 5021514 (VCV005021514.1).